The following is an entry in ClinVar:

ClinVar aggregate classification (germline): Uncertain significance (1 of 4 stars; one submission).

Allele frequency attached by ClinVar (database versions not stated): ExAC 0.00001; gnomAD exomes 0.00001 and 0.00005; TOPMed 0.00002; gnomAD 0.00003.
gnomAD v4.1: 76 of 1,614,056 alleles (0.0047%); highest among the groups gnomAD compares: Non-Finnish European, 0.0063%; no homozygotes.

Submission:

Labcorp Genetics (formerly Invitae), Labcorp
Classification: Uncertain significance. Last evaluated: 2025-01-20. Review status: criteria provided, single submitter. Criteria: Invitae Variant Classification Sherloc (09022015). Collection method: clinical testing. Allele origin: germline.
Comment: This sequence change replaces alanine, which is neutral and non-polar, with threonine, which is neutral and polar, at codon 441 of the ACBD5 protein (p.Ala441Thr). This variant is present in population databases (rs749212781, gnomAD 0.004%). This variant has not been reported in the literature in individuals affected with ACBD5-related conditions. ClinVar contains an entry for this variant (Variation ID: 1008551). Invitae Evidence Modeling of protein sequence and biophysical properties (such as structural, functional, and spatial information, amino acid conservation, physicochemical variation, residue mobility, and thermodynamic stability) indicates that this missense variant is not expected to disrupt ACBD5 protein function with a negative predictive value of 80%. In summary, the available evidence is currently insufficient to determine the role of this variant in disease. Therefore, it has been classified as a Variant of Uncertain Significance.

NM_145698.5(ACBD5):c.1321G>A (p.Ala441Thr)

Gene: ACBD5 (acyl-CoA binding domain containing 5; minus strand). Cytogenetic location: 10p12.1.
Variant type: single nucleotide variant.
Coding change: c.1321G>A on transcript NM_145698.5 (MANE Select); coding-DNA position 1321, G replaced by A.
Protein change: p.Ala441Thr; replaces alanine 441 with threonine.
Molecular consequence: missense variant.
Genome position (GRCh38, 1-based): chr10:27,208,329, C>T on the plus strand (G>A on the coding strand, the complement: ACBD5 is on the minus strand). VCF-style: chr10-27208329-C-T. GRCh37 (hg19) VCF-style: chr10-27497258-C-T.
Other names: c.1216G>A, p.Ala406Thr (NM_001042473.4, NM_001352577.2, NM_001352578.2 and 1 more transcripts); c.1315G>A, p.Ala439Thr (NM_001271512.3); c.994G>A, p.Ala332Thr (NM_001301251.2, NM_001301252.2, NM_001301253.2 and 2 more transcripts); c.790G>A, p.Ala264Thr (NM_001301254.2); c.1375G>A, p.Ala459Thr (NM_001352568.1); c.1354G>A, p.Ala452Thr (NM_001352569.1); c.1321G>A, p.Ala441Thr (NM_001352570.1); c.1348G>A, p.Ala450Thr (NM_001352571.1); and 10 more; short protein forms A264T, A332T, A338T, A343T, A371T, A373T, A382T, A384T.
Identifiers: ClinVar variation 1008551 (VCV001008551.6), dbSNP rs749212781, ClinGen allele CA5450672.
Genomic context (GRCh38, chr10:27,208,329, plus strand): 5'-GTTTCTGCAGTCTCTGAAGGACATTCTGCATGTCCTCCTGCAGTCTCATCAGCACGAGGG[C>T]GATCTGCTCATTGAGGCTGCCTCGGGACCCTCTGTCGGAGCCCCAGCGCTCCCCATCACC-3'
Protein context (NP_663736.2, residues 431-451): GSRGSLNEQI[Ala441Thr]LVLMRLQEDM